The following is an entry in ClinVar:

NM_001009944.3(PKD1):c.2109C>T (p.His703=)

Gene: PKD1 (polycystin 1, transient receptor potential channel interacting; minus strand). Cytogenetic location: 16p13.3.
Variant type: single nucleotide variant.
Coding change: c.2109C>T on transcript NM_001009944.3 (MANE Select); coding-DNA position 2109, C replaced by T.
Protein change: p.His703=; no amino-acid change (histidine 703 retained).
Molecular consequence: synonymous variant.
Genome position (GRCh38, 1-based): chr16:2,114,914, G>A on the plus strand (C>T on the coding strand, the complement: PKD1 is on the minus strand). VCF-style: chr16-2114914-G-A. GRCh37 (hg19) VCF-style: chr16-2164915-G-A.
Other names: c.2109C>T, p.His703= (NM_000296.4).
Identifiers: ClinVar variation 487359 (VCV000487359.10), dbSNP rs527655141, ClinGen allele CA7833274.

ClinVar aggregate classification (germline): Benign/Likely benign. Review status: criteria provided, multiple submitters, no conflicts (2 of 4 stars). 8 submissions from 8 submitters: Benign (1); Likely benign (4). 3 of the submissions do not count toward it. Last evaluated 2026-06-01.

Conditions:
Polycystic kidney disease, adult type (PKD1). Also called: Polycystic Kidney, Autosomal Dominant; POLYCYSTIC KIDNEY DISEASE 1 WITH OR WITHOUT POLYCYSTIC LIVER DISEASE; POLYCYSTIC KIDNEY DISEASE, ADULT, TYPE I; Polycystic Kidney Disease 1, Autosomal Dominant; Polycystic kidney disease 1; Polycystic kidney disease 1, severe. Identifiers: MedGen C3149841, MONDO:0008263, OMIM 173900.
Polycystic kidney disease. Also called: Kidney, Polycystic; Polycystic kidney dysplasia. Identifiers: MedGen C0022680, MeSH D007690, MONDO:0020642, HP:0000113.

Allele frequency attached by ClinVar (database versions not stated): 1000 Genomes Project 30x 0.00016; 1000 Genomes Project 0.00020; ExAC 0.00038; gnomAD exomes 0.00072 and 0.00084; gnomAD 0.00093 and 0.00097; TOPMed 0.00094.
gnomAD v4.1: 1,294 of 1,530,236 alleles (0.085%); highest among the groups gnomAD compares: Admixed American, 0.2%; no homozygotes.

Submissions (8):

CeGaT Center for Human Genetics Tuebingen
Classification: Likely benign. Last evaluated: 2026-06-01. Review status: criteria provided, single submitter. Criteria: CeGaT Center For Human Genetics Tuebingen Variant Classification Criteria Version 2. Collection method: clinical testing. Allele origin: germline. Affected: yes. Observed: 1 variant allele.
Comment: PKD1: BP4, BP7

Blueprint Genetics
Classification: Likely benign. Last evaluated: 2024-11-22. Review status: criteria provided, single submitter. Criteria: ACMG Guidelines, 2015. Collection method: clinical testing. Allele origin: germline.

Fulgent Genetics
Classification: Likely benign for Polycystic kidney disease, adult type. Last evaluated: 2021-10-05. Review status: criteria provided, single submitter. Criteria: ACMG Guidelines, 2015. Collection method: clinical testing. Allele origin: unknown.

GeneDx
Classification: Likely benign. Last evaluated: 2021-02-09. Review status: criteria provided, single submitter. Criteria: GeneDx Variant Classification Process June 2021. Collection method: clinical testing. Allele origin: germline. Affected: yes.
Comment: This variant is associated with the following publications: (PMID: 11967008)

Athena Diagnostics
Classification: Benign for Polycystic kidney disease, adult type. Last evaluated: 2017-06-09. Review status: criteria provided, single submitter. Criteria: Athena Diagnostics Criteria. Collection method: clinical testing. Allele origin: germline.

Department of Pathology and Laboratory Medicine, Sinai Health System
Classification: Likely benign for Polycystic Kidney disease. Review status: no assertion criteria provided. Collection method: clinical testing. Allele origin: unknown. Affected: yes. Study: The Canadian Open Genetics Repository (COGR). Not counted in ClinVar's aggregate classification.
Comment: The PKD1 p.His703= variant was not identified in the literature, nor was it identified in the Clinvitae, ClinVar, GeneInsight COGR, MutDB, ADPKD Mutation, PKD1-LOVD, PKD1-LOVD 3.0 databases, or the NHLBI GO Exome Sequencing Project. The variant was identified in dbSNP (ID: rs527655141) as â€šÃ„ÃºNAâ€šÃ„Ã¹: in the 1000 Genomes Project in 1 of 5000 chromosomes (frequency: 0.0002): the Exome Aggregation Consortium database (August 8th 2016) in 1 of 2636 chromosomes (freq. 0004) of the European (Non-Finnish) population but not seen in the African, East Asian, European (Finnish), Latino, and South Asian populations; the genome Aggregation Database (beta, October 19th 2016) in 102 (1 homozygous) of 132868 chromosomes (freq.0.0008). However we cannot be certain that data from control databases is specific to PKD1 and not from one of the six PKD1 pseudogenes. The p.His703= variant is not expected to have clinical significance because it does not result in a change of amino acid and is not located in a known consensus splice site. In addition, in silico or computational prediction software programs (SpliceSiteFinder, MaxEntScan, NNSPLICE, GeneSplicer, HumanSpliceFinder) do not predict a difference in splicing. In summary, based on the above information, the clinical significance of this variant cannot be determined with certainty at this time although we would lean towards a more benign role for this variant. This variant is classified as likely benign.

Genome Diagnostics Laboratory, University Medical Center Utrecht
Classification: Likely benign. Review status: no assertion criteria provided. Collection method: clinical testing. Allele origin: germline. Affected: yes. Study: VKGL Data-share Consensus. Not counted in ClinVar's aggregate classification.

Laboratory of Diagnostic Genome Analysis, Leiden University Medical Center (LUMC)
Classification: Likely benign. Review status: no assertion criteria provided. Collection method: clinical testing. Allele origin: germline. Affected: yes. Study: VKGL Data-share Consensus. Not counted in ClinVar's aggregate classification.

Literature cited by the submitters: PubMed 11967008 (cited by Athena Diagnostics).